The following is an entry in ClinVar:

ClinVar aggregate classification (germline): Uncertain significance. Review status: criteria provided, multiple submitters, no conflicts (2 of 4 stars). 2 submissions from 2 submitters: Uncertain significance (2). Last evaluated 2024-02-26.

Conditions:
Early-infantile DEE. Also called: Early infantile epileptic encephalopathy with suppression bursts; Early infantile epileptic encephalopathy; Ohtahara syndrome. Identifiers: Orphanet 1934, MedGen C0393706, MONDO:0800491.

Allele frequency attached by ClinVar (database versions not stated): gnomAD exomes below 0.00001; TOPMed below 0.00001; ExAC 0.00001.
gnomAD v4.1: 2 of 1,598,396 alleles (0.00013%); highest among the groups gnomAD compares: Non-Finnish European, 0.00017%; no homozygotes.

Submissions (2):

Labcorp Genetics (formerly Invitae), Labcorp
Classification: Uncertain significance for Early-infantile DEE. Last evaluated: 2024-02-26. Review status: criteria provided, single submitter. Criteria: Invitae Variant Classification Sherloc (09022015). Collection method: clinical testing. Allele origin: germline.
Comment: This sequence change replaces proline, which is neutral and non-polar, with leucine, which is neutral and non-polar, at codon 669 of the KCNQ2 protein (p.Pro669Leu). The frequency data for this variant in the population databases is considered unreliable, as metrics indicate poor data quality at this position in the gnomAD database. This variant has not been reported in the literature in individuals affected with KCNQ2-related conditions. ClinVar contains an entry for this variant (Variation ID: 651375). An algorithm developed to predict the effect of missense changes on protein structure and function (PolyPhen-2) suggests that this variant is likely to be disruptive. In summary, the available evidence is currently insufficient to determine the role of this variant in disease. Therefore, it has been classified as a Variant of Uncertain Significance.

GeneDx
Classification: Uncertain significance. Last evaluated: 2024-01-03. Review status: criteria provided, single submitter. Criteria: GeneDx Variant Classification Process June 2021. Collection method: clinical testing. Allele origin: germline. Affected: yes.
Comment: Missense variants in this gene are a common cause of disease and they are underrepresented in the general population; In silico analysis supports that this missense variant has a deleterious effect on protein structure/function; Has not been previously published as pathogenic or benign to our knowledge; This substitution is predicted to be within the C-terminal cytoplasmic domain

NM_172107.4(KCNQ2):c.2006C>T (p.Pro669Leu)

Gene: KCNQ2 (potassium voltage-gated channel subfamily Q member 2; minus strand). Cytogenetic location: 20q13.33.
Variant type: single nucleotide variant.
Coding change: c.2006C>T on transcript NM_172107.4 (MANE Select); coding-DNA position 2006, C replaced by T.
Protein change: p.Pro669Leu; replaces proline 669 with leucine.
Molecular consequence: missense variant.
Genome position (GRCh38, 1-based): chr20:63,407,257, G>A on the plus strand (C>T on the coding strand, the complement: KCNQ2 is on the minus strand). VCF-style: chr20-63407257-G-A. GRCh37 (hg19) VCF-style: chr20-62038610-G-A.
Other names: c.1922C>T, p.Pro641Leu (NM_004518.6); c.1952C>T, p.Pro651Leu (NM_172106.3); c.1913C>T, p.Pro638Leu (NM_172108.5); c.2006C>T (NM_172107.2); short protein forms P669L, P638L, P641L, P651L.
Identifiers: ClinVar variation 651375 (VCV000651375.12), dbSNP rs774306858, ClinGen allele CA9958174.